The following is an entry in ClinVar:

NM_004415.4(DSP):c.7039ATC[1] (p.Ile2348del)

Gene: DSP (desmoplakin; plus strand). Cytogenetic location: 6p24.3.
Variant type: Microsatellite.
Coding change: c.7039ATC[1] on transcript NM_004415.4 (MANE Select); one copy of the 3-base unit ATC starting at c.7039; the reference has two copies in a row; one copy, 3 bases deleted; also written c.7042_7044del.
Protein change: p.Ile2348del; deletes isoleucine 2348.
Molecular consequence: inframe deletion.
Genome position (GRCh38, 1-based): chr6:7,584,304-7,584,306, ATC deleted; deleting any 3 consecutive bases within chr6:7,584,300-7,584,306 gives the same sequence; the position shown is the placement nearest the transcript's 3' end. VCF-style (leftmost placement, unchanged base first): chr6-7584299-ACAT-A. GRCh37 (hg19) VCF-style: chr6-7584532-ACAT-A.
Other names: c.5242ATC[1], p.Ile1749del (NM_001008844.3); c.5710ATC[1], p.Ile1905del (NM_001319034.2); c.7042_7044del (NM_004415.4); short protein forms I1749del, I1905del, I2348del.
Identifiers: ClinVar variation 3762309 (VCV003762309.4).

ClinVar aggregate classification (germline): Uncertain significance. Review status: criteria provided, multiple submitters, no conflicts (2 of 4 stars). 3 submissions from 3 submitters: Uncertain significance (3). Last evaluated 2025-06-26.

Conditions:
Cardiomyopathy (CMYO). Also called: Cardiomyopathies. Identifiers: Orphanet 167848, MedGen C0878544, MONDO:0004994, HP:0001638. Inheritance: Various modes of inheritance.
Arrhythmogenic cardiomyopathy with wooly hair and keratoderma. Also called: PALMOPLANTAR KERATODERMA WITH LEFT VENTRICULAR CARDIOMYOPATHY AND WOOLLY HAIR; Dilated cardiomyopathy with woolly hair and keratoderma; Carvajal syndrome; Arrhythmogenic cardiomyopathy with woolly hair and keratoderma. Identifiers: Orphanet 65282, MedGen C1854063, MONDO:0011581, OMIM 605676.
Arrhythmogenic right ventricular dysplasia 8 (ARVD8). Also called: ARRHYTHMOGENIC RIGHT VENTRICULAR DYSPLASIA, FAMILIAL, 8; Arrhythmogenic Right Ventricular Dysplasia/Cardiomyopathy 8; ARRHYTHMOGENIC RIGHT VENTRICULAR CARDIOMYOPATHY 8. Identifiers: MedGen C1843896, MONDO:0011831, OMIM 607450.

Submissions (3):

Color Diagnostics, LLC DBA Color Health
Classification: Uncertain significance for Cardiomyopathy. Last evaluated: 2025-06-26. Review status: criteria provided, single submitter. Criteria: ACMG Guidelines, 2015. Collection method: clinical testing. Allele origin: germline.
Comment: This variant causes an in-frame deletion of one amino acid at exon 24 of the DSP protein. To our knowledge, functional studies have not been reported for this variant. This variant has not been reported in individuals affected with DSP-related disorders in the literature. This variant has not been identified in the general population by the Genome Aggregation Database (gnomAD). The available evidence is insufficient to determine the role of this variant in disease conclusively. Therefore, this variant is classified as a Variant of Uncertain Significance.

Labcorp Genetics (formerly Invitae), Labcorp
Classification: Uncertain significance for Arrhythmogenic cardiomyopathy with wooly hair and keratoderma; Arrhythmogenic right ventricular dysplasia 8. Last evaluated: 2024-06-18. Review status: criteria provided, single submitter. Criteria: Invitae Variant Classification Sherloc (09022015). Collection method: clinical testing. Allele origin: germline.
Comment: This variant, c.7042_7044del, results in the deletion of 1 amino acid(s) of the DSP protein (p.Ile2348del), but otherwise preserves the integrity of the reading frame. This variant is not present in population databases (gnomAD no frequency). This variant has not been reported in the literature in individuals affected with DSP-related conditions. Experimental studies and prediction algorithms are not available or were not evaluated, and the functional significance of this variant is currently unknown. In summary, the available evidence is currently insufficient to determine the role of this variant in disease. Therefore, it has been classified as a Variant of Uncertain Significance.

Blueprint Genetics
Classification: Uncertain significance. Last evaluated: 2020-12-14. Review status: criteria provided, single submitter. Criteria: ACMG Guidelines, 2015. Collection method: clinical testing. Allele origin: germline.